The following is an entry in ClinVar:

ClinVar aggregate classification (germline): Uncertain significance (1 of 4 stars; one submission).

Allele frequency attached by ClinVar (database versions not stated): gnomAD exomes 0.00001; ExAC 0.00002; TOPMed 0.00004.
gnomAD v4.1: 7 of 1,614,058 alleles (0.00043%); highest among the groups gnomAD compares: Admixed American, 0.012%; no homozygotes.

Submission:

Labcorp Genetics (formerly Invitae), Labcorp
Classification: Uncertain significance. Last evaluated: 2023-03-03. Review status: criteria provided, single submitter. Criteria: Invitae Variant Classification Sherloc (09022015). Collection method: clinical testing. Allele origin: germline.
Comment: In summary, the available evidence is currently insufficient to determine the role of this variant in disease. Therefore, it has been classified as a Variant of Uncertain Significance. Advanced modeling of protein sequence and biophysical properties (such as structural, functional, and spatial information, amino acid conservation, physicochemical variation, residue mobility, and thermodynamic stability) has been performed at Invitae for this missense variant, however the output from this modeling did not meet the statistical confidence thresholds required to predict the impact of this variant on FBN3 protein function. This variant has not been reported in the literature in individuals affected with FBN3-related conditions. This variant is present in population databases (rs759765068, gnomAD 0.02%). This sequence change replaces glycine, which is neutral and non-polar, with arginine, which is basic and polar, at codon 1268 of the FBN3 protein (p.Gly1268Arg).

NM_032447.5(FBN3):c.3802G>C (p.Gly1268Arg)

Gene: FBN3 (fibrillin 3; minus strand). Cytogenetic location: 19p13.2.
Variant type: single nucleotide variant.
Coding change: c.3802G>C on transcript NM_032447.5 (MANE Select); coding-DNA position 3802, G replaced by C.
Protein change: p.Gly1268Arg; replaces glycine 1268 with arginine.
Molecular consequence: missense variant.
Genome position (GRCh38, 1-based): chr19:8,115,551, C>G on the plus strand (G>C on the coding strand, the complement: FBN3 is on the minus strand). VCF-style: chr19-8115551-C-G. GRCh37 (hg19) VCF-style: chr19-8180435-C-G.
Other names: c.3802G>C, p.Gly1268Arg (NM_001321431.2); short protein forms G1268R.
Identifiers: ClinVar variation 2955870 (VCV002955870.3), dbSNP rs759765068, ClinGen allele CA9152323.